The following is an entry in ClinVar:

ClinVar aggregate classification (germline): Uncertain significance. Review status: criteria provided, multiple submitters, no conflicts (2 of 4 stars). 3 submissions from 3 submitters: Uncertain significance (3). Last evaluated 2025-09-10.

Conditions:
Inborn genetic diseases. Identifiers: MedGen C0950123, MeSH D030342.
Left ventricular noncompaction 8 (LVNC8). Identifiers: Orphanet 154, Orphanet 54260, MedGen C3809288, MONDO:0014152, OMIM 615373.

gnomAD v4.1: 9 of 1,613,466 alleles (0.00056%); highest among the groups gnomAD compares: East Asian, 0.0067%; no homozygotes.

Submissions (3):

Labcorp Genetics (formerly Invitae), Labcorp
Classification: Uncertain significance for Left ventricular noncompaction 8. Last evaluated: 2025-09-10. Review status: criteria provided, single submitter. Criteria: Invitae Variant Classification Sherloc (09022015). Collection method: clinical testing. Allele origin: germline.
Comment: This sequence change replaces arginine, which is basic and polar, with cysteine, which is neutral and slightly polar, at codon 326 of the PRDM16 protein (p.Arg326Cys). This variant is present in population databases (rs751886479, gnomAD 0.007%). This variant has not been reported in the literature in individuals affected with PRDM16-related conditions. ClinVar contains an entry for this variant (Variation ID: 3337494). An algorithm developed to predict the effect of missense changes on protein structure and function (PolyPhen-2) suggests that this variant is likely to be disruptive. In summary, the available evidence is currently insufficient to determine the role of this variant in disease. Therefore, it has been classified as a Variant of Uncertain Significance.

Ambry Genetics
Classification: Uncertain significance for Inborn genetic diseases. Last evaluated: 2025-06-10. Review status: criteria provided, single submitter. Criteria: Ambry Variant Classification Scheme 2023. Collection method: clinical testing. Allele origin: germline.

Clinical Genetics Laboratory, Skane University Hospital Lund
Classification: Uncertain significance. Last evaluated: 2022-05-27. Review status: criteria provided, single submitter. Criteria: ACMG Guidelines, 2015. Collection method: clinical testing. Allele origin: germline. Affected: yes.

NM_022114.4(PRDM16):c.976C>T (p.Arg326Cys)

Gene: PRDM16 (PR/SET domain 16; plus strand). Cytogenetic location: 1p36.32.
Variant type: single nucleotide variant.
Coding change: c.976C>T on transcript NM_022114.4 (MANE Select); coding-DNA position 976, C replaced by T.
Protein change: p.Arg326Cys; replaces arginine 326 with cysteine.
Molecular consequence: missense variant.
Genome position (GRCh38, 1-based): chr1:3,404,830, C>T. VCF-style: chr1-3404830-C-T. GRCh37 (hg19) VCF-style: chr1-3321394-C-T.
Other names: c.976C>T (NM_022114.3); c.976C>T, p.Arg326Cys (NM_199454.3); short protein forms R326C.
Identifiers: ClinVar variation 3337494 (VCV003337494.3).